The following is an entry in ClinVar:

NM_004750.5(CRLF1):c.392T>G (p.Val131Gly)

Gene: CRLF1 (cytokine receptor like factor 1; minus strand). Cytogenetic location: 19p13.11.
Variant type: single nucleotide variant.
Coding change: c.392T>G on transcript NM_004750.5 (MANE Select); coding-DNA position 392, T replaced by G.
Protein change: p.Val131Gly; replaces valine 131 with glycine.
Molecular consequence: missense variant.
Genome position (GRCh38, 1-based): chr19:18,599,570, A>C on the plus strand (T>G on the coding strand, the complement: CRLF1 is on the minus strand). VCF-style: chr19-18599570-A-C. GRCh37 (hg19) VCF-style: chr19-18710380-A-C.
Other names: short protein forms V131G.
Identifiers: ClinVar variation 4855332 (VCV004855332.1).
Genomic context (GRCh38, chr19:18,599,570, plus strand): 5'-GAGGGAGATGCCGCTCCCAAGAGCTACCCCTGGGGTGTCCTGGGTGCCAACTTACGGCCA[A>C]CATAGAGGCAGGAGCCAGCCAGGATGCTGCCGTCACGGGCGTGGCACACGAGGTTGTCCC-3'
Protein context (NP_004741.1, residues 121-141): GSILAGSCLY[Val131Gly]GLPPEKPVNI

ClinVar aggregate classification (germline): Uncertain significance (1 of 4 stars; one submission).

Conditions:
Cold-induced sweating syndrome 1 (CISS1). Also called: Crisponi syndrome; CRLF1-Related Cold-Induced Sweating Syndrome including Crisponi Syndrome; MUSCLE CONTRACTIONS, TETANOFORM, WITH CHARACTERISTIC FACE, CAMPTODACTYLY, HYPERTHERMIA, AND SUDDEN DEATH; CRISPONI/COLD-INDUCED SWEATING SYNDROME 1. Identifiers: Orphanet 1545, Orphanet 157820, MedGen C1848947, MONDO:0010091, OMIM 272430.

Submission:

3billion
Classification: Uncertain significance for Cold-induced sweating syndrome 1. Last evaluated: 2025-12-01. Review status: criteria provided, single submitter. Criteria: ACMG Guidelines, 2015. Collection method: clinical testing. Allele origin: germline. Affected: yes.
Comment: The variant is not observed in the gnomAD v4.1.0 dataset. Predicted Consequence/Location: Missense variant. The majority of the known disease-causing variants of this gene are variants expected to result in premature termination of the protein. In silico tool predictions suggest damaging effect of the variant on gene or gene product [REVEL: 0.84 (>=0.6, sensitivity 0.68 and specificity 0.92)]. Different missense changes at the same codon have been reported as of uncertain significance (ClinVar ID: VCV004234287). Therefore, this variant is classified as VUS according to the recommendation of ACMG/AMP guideline.